The following is an entry in ClinVar:

NM_001330260.2(SCN8A):c.3130T>A (p.Cys1044Ser)

Gene: SCN8A (sodium voltage-gated channel alpha subunit 8; plus strand). Cytogenetic location: 12q13.13.
Variant type: single nucleotide variant.
Coding change: c.3130T>A on transcript NM_001330260.2 (MANE Select); coding-DNA position 3130, T replaced by A.
Protein change: p.Cys1044Ser; replaces cysteine 1044 with serine.
Molecular consequence: missense variant.
Genome position (GRCh38, 1-based): chr12:51,769,093, T>A. VCF-style: chr12-51769093-T-A. GRCh37 (hg19) VCF-style: chr12-52162877-T-A.
Other names: c.3130T>A, p.Cys1044Ser (NM_001177984.3, NM_001369788.1, NM_014191.4); short protein forms C1044S.
Identifiers: ClinVar variation 3364017 (VCV003364017.1).

ClinVar aggregate classification (germline): Uncertain significance (1 of 4 stars; one submission).

Submission:

GeneDx
Classification: Uncertain significance. Last evaluated: 2023-11-12. Review status: criteria provided, single submitter. Criteria: GeneDx Variant Classification Process June 2021. Collection method: clinical testing. Allele origin: germline. Affected: yes.
Comment: Not observed at significant frequency in large population cohorts (gnomAD); Missense variants in this gene are a common cause of disease and they are underrepresented in the general population; In silico analysis supports that this missense variant has a deleterious effect on protein structure/function; Has not been previously published as pathogenic or benign to our knowledge; This substitution is predicted to be in the cytoplasmic loop between the second and third homologous domains